The following is an entry in ClinVar:

ClinVar aggregate classification (germline): Likely benign. Review status: criteria provided, multiple submitters, no conflicts (2 of 4 stars). 3 submissions from 3 submitters: Likely benign (3). Last evaluated 2025-05-11.

Conditions:
Juvenile polyposis syndrome (JPS). Identifiers: Orphanet 2929, MedGen C0345893, MONDO:0017380, OMIM 174900.
Juvenile polyposis/hereditary hemorrhagic telangiectasia syndrome (JPHT). Also called: POLYPOSIS, GENERALIZED JUVENILE, WITH PULMONARY ARTERIOVENOUS MALFORMATION; TELANGIECTASIA, HEREDITARY HEMORRHAGIC, WITH JUVENILE POLYPOSIS COLI; Juvenile Polyposis Syndrome / Hereditary Hemorrhagic Telangiectasia (JPS/HHT); JP/HHT SYNDROME; JUVENILE POLYPOSIS WITH HEREDITARY HEMORRHAGIC TELANGIECTASIA. Identifiers: Orphanet 2929, MedGen C1832942, MONDO:0008278, OMIM 175050.

Submissions (3):

Labcorp Genetics (formerly Invitae), Labcorp
Classification: Likely benign for Juvenile polyposis syndrome. Last evaluated: 2025-05-11. Review status: criteria provided, single submitter. Criteria: Invitae Variant Classification Sherloc (09022015). Collection method: clinical testing. Allele origin: germline.

Myriad Genetics, Inc.
Classification: Likely benign for Juvenile polyposis/hereditary hemorrhagic telangiectasia syndrome. Last evaluated: 2025-03-21. Review status: criteria provided, single submitter. Criteria: Myriad Autosomal Dominant, Autosomal Recessive and X-Linked Classification Criteria (2023). Collection method: clinical testing. Allele origin: unknown.
Comment: This variant is considered likely benign. This variant is intronic and is not expected to impact mRNA splicing.

GeneDx
Classification: Likely benign. Last evaluated: 2016-09-06. Review status: criteria provided, single submitter. Criteria: GeneDx Variant Classification (06012015). Collection method: clinical testing. Allele origin: germline. Affected: yes.
Comment: This variant is considered likely benign or benign based on one or more of the following criteria: it is a conservative change, it occurs at a poorly conserved position in the protein, it is predicted to be benign by multiple in silico algorithms, and/or has population frequency not consistent with disease.

NM_005359.6(SMAD4):c.1140-36_1140-19del

Gene: SMAD4 (SMAD family member 4; plus strand). Cytogenetic location: 18q21.2.
Variant type: Deletion.
Coding change: c.1140-36_1140-19del on transcript NM_005359.6 (MANE Select); 36 bases into the intron before coding-DNA position 1140 through 19 bases into the intron before coding-DNA position 1140, 18 bases deleted (ATCAAGATAAAATGTAAT).
Molecular consequence: intron variant.
Genome position (GRCh38, 1-based): chr18:51,066,983-51,067,000, ATCAAGATAAAATGTAAT deleted; deleting any 18 consecutive bases within chr18:51,066,982-51,067,000 gives the same sequence; the c. name uses the placement nearest the transcript's 3' end. VCF-style (leftmost placement, unchanged base first): chr18-51066981-TTATCAAGATAAAATGTAA-T. GRCh37 (hg19) VCF-style: chr18-48593351-TTATCAAGATAAAATGTAA-T.
Other names: c.1140-36_1140-19delATCAAGATAAAATGTAAT (NM_005359.5); c.1140-36_1140-19del18 (NM_005359.5).
Identifiers: ClinVar variation 422185 (VCV000422185.9), dbSNP rs1064795613, ClinGen allele CA16620708.